The following is an entry in ClinVar:

NM_006178.4(NSF):c.1351A>G (p.Thr451Ala)

Genes: LRRC37A2 (leucine rich repeat containing 37 member A2), NSF (N-ethylmaleimide sensitive factor, vesicle fusing ATPase; plus strand). Cytogenetic location: 17q21.31.
Variant type: single nucleotide variant.
Coding change: c.1351A>G on transcript NM_006178.4 (MANE Select); coding-DNA position 1351, A replaced by G.
Protein change: p.Thr451Ala; replaces threonine 451 with alanine.
Molecular consequence: missense variant. On other transcripts: non-coding transcript variant (1).
Genome position (GRCh38, 1-based): chr17:46,694,639, A>G. VCF-style: chr17-46694639-A-G. GRCh37 (hg19) VCF-style: chr17-44772005-A-G.
Other names: short protein forms T451A.
Identifiers: ClinVar variation 3769884 (VCV003769884.1).

ClinVar aggregate classification (germline): Uncertain significance (1 of 4 stars; one submission).

Submission:

GeneDx
Classification: Uncertain significance. Last evaluated: 2023-12-08. Review status: criteria provided, single submitter. Criteria: GeneDx Variant Classification Process June 2021. Collection method: clinical testing. Allele origin: germline. Affected: yes.
Comment: Has not been previously published as pathogenic or benign to our knowledge; Not observed at significant frequency in large population cohorts (gnomAD); In silico analysis supports that this missense variant has a deleterious effect on protein structure/function; Variants in candidate genes are classified as variants of uncertain significance in accordance with ACMG guidelines (PMID: 25741868)